The following is an entry in ClinVar:

ClinVar aggregate classification (germline): Uncertain significance (1 of 4 stars; one submission).

Submission:

Dasa
Classification: Uncertain significance. Last evaluated: 2025-06-05. Review status: criteria provided, single submitter. Criteria: DASA Assertion Criteria. Collection method: clinical testing. Allele origin: germline.
Comment: NM_001397473.1(MACF1):c.3685G>A (p.Ala1229Thr) is a missense variant that results in the substitution of alanine with threonine. This variant is rare in population databases. Computational prediction algorithms are consistent with a benign effect. The currently available literature and clinical evidence are not sufficient to establish a definitive association between this variant and the reported condition. Therefore, this variant is classified as a variant of uncertain significance.

NM_001394062.1(MACF1):c.15817-8424G>A

Genes: KIAA0754 (KIAA0754; plus strand), MACF1 (microtubule actin crosslinking factor 1; plus strand). Cytogenetic location: 1p34.3.
Variant type: single nucleotide variant.
Coding change: c.15817-8424G>A on transcript NM_001394062.1 (MANE Select); 8424 bases into the intron before coding-DNA position 15817, G replaced by A.
Molecular consequence: intron variant. On other transcripts: missense variant (1).
Genome position (GRCh38, 1-based): chr1:39,413,950, G>A. VCF-style: chr1-39413950-G-A. GRCh37 (hg19) VCF-style: chr1-39879622-G-A.
Other names: c.3685G>A, p.Ala1229Thr (NM_001397473.1); c.9631-8424G>A (NM_012090.5); short protein forms A1229T.
Identifiers: ClinVar variation 4881659 (VCV004881659.2).